The following is an entry in ClinVar:

NM_000169.3(GLA):c.481G>A (p.Asp161Asn)

Genes: GLA (galactosidase alpha; minus strand), RPL36A-HNRNPH2 (RPL36A-HNRNPH2 readthrough; plus strand). Cytogenetic location: Xq22.1.
Variant type: single nucleotide variant.
Coding change: c.481G>A on transcript NM_000169.3 (MANE Select); coding-DNA position 481, G replaced by A.
Protein change: p.Asp161Asn; replaces aspartic acid 161 with asparagine.
Molecular consequence: missense variant. On other transcripts: non-coding transcript variant (3), intron variant (2).
Genome position (GRCh38, 1-based): chrX:101,401,698, C>T on the plus strand (G>A on the coding strand, the complement: GLA is on the minus strand). VCF-style: chrX-101401698-C-T. GRCh37 (hg19) VCF-style: chrX-100656686-C-T.
Other names: c.604G>A, p.Asp202Asn (NM_001406747.1, NM_001406749.1); c.481G>A, p.Asp161Asn (NM_001406748.1); c.300+6241C>T (NM_001199973.2); c.177+9876C>T (NM_001199974.2); short protein forms D161N, D202N.
Identifiers: ClinVar variation 1021395 (VCV001021395.11), dbSNP rs1386622522, ClinGen allele CA413929291.

ClinVar aggregate classification (germline): Uncertain significance. Review status: criteria provided, multiple submitters, no conflicts (2 of 4 stars). 4 submissions from 4 submitters: Uncertain significance (3). 1 of the submissions does not count toward it. Last evaluated 2025-08-29.

Conditions:
Cardiovascular phenotype. Identifiers: MedGen CN230736.
Fabry disease. Also called: ALPHA-GALACTOSIDASE A DEFICIENCY; ANDERSON-FABRY DISEASE; CERAMIDE TRIHEXOSIDASE DEFICIENCY; GLA DEFICIENCY; HEREDITARY DYSTOPIC LIPIDOSIS; Fabry's disease. Identifiers: Orphanet 324, MedGen C0002986, MONDO:0010526, OMIM 301500, HP:0001071. Disease mechanism: Fabry disease is due to inactivating mutations in the X-linked GLA gene resulting in deficiency of the enzyme Alpha Galactosidase-A., loss of function.

Allele frequency attached by ClinVar (database versions not stated): gnomAD exomes below 0.00001; gnomAD 0.00002; TOPMed 0.00003.
gnomAD v4.1: 4 of 1,208,737 alleles (0.00033%); highest among the groups gnomAD compares: African/African-American, 0.0052%; no homozygotes.

Submissions (4):

Labcorp Genetics (formerly Invitae), Labcorp
Classification: Uncertain significance for Fabry disease. Last evaluated: 2025-08-29. Review status: criteria provided, single submitter. Criteria: Invitae Variant Classification Sherloc (09022015). Collection method: clinical testing. Allele origin: germline.
Comment: This sequence change replaces aspartic acid, which is acidic and polar, with asparagine, which is neutral and polar, at codon 161 of the GLA protein (p.Asp161Asn). This variant is not present in population databases (gnomAD no frequency). This variant has not been reported in the literature in individuals affected with GLA-related conditions. ClinVar contains an entry for this variant (Variation ID: 1021395). Invitae Evidence Modeling of protein sequence and biophysical properties (such as structural, functional, and spatial information, amino acid conservation, physicochemical variation, residue mobility, and thermodynamic stability) indicates that this missense variant is not expected to disrupt GLA protein function with a negative predictive value of 80%. In summary, the available evidence is currently insufficient to determine the role of this variant in disease. Therefore, it has been classified as a Variant of Uncertain Significance.

All of Us Research Program, National Institutes of Health
Classification: Uncertain significance for Fabry disease. Last evaluated: 2024-03-24. Review status: criteria provided, single submitter. Criteria: ACMG Guidelines, 2015. Collection method: clinical testing. Allele origin: germline. Inheritance: X-linked inheritance. Observed: 1 variant allele, 1 heterozygote.
Comment: This missense variant replaces aspartic acid with asparagine at codon 161 of the GLA protein. Computational prediction suggests that this variant may not impact protein structure and function (internally defined REVEL score threshold <= 0.5, PMID: 27666373). To our knowledge, functional studies have not been reported for this variant. This variant has not been reported in individuals affected with GLA-related disorders in the literature. This variant has not been identified in the general population by the Genome Aggregation Database (gnomAD). The available evidence is insufficient to determine the role of this variant in disease conclusively. Therefore, this variant is classified as a Variant of Uncertain Significance.

This study involves interpretation of variants in research participants for the purpose of population health screening. Participant phenotype was not available at the time of variant classification. Additional details can be found in publication PMID: 35346344, PMCID: PMC8962531

Ambry Genetics
Classification: Uncertain significance for Cardiovascular phenotype. Last evaluated: 2020-09-08. Review status: criteria provided, single submitter. Criteria: Ambry Variant Classification Scheme 2023. Collection method: clinical testing. Allele origin: germline.
Comment: The p.D161N variant (also known as c.481G>A), located in coding exon 3 of the GLA gene, results from a G to A substitution at nucleotide position 481. The aspartic acid at codon 161 is replaced by asparagine, an amino acid with highly similar properties. This variant was not reported in population-based cohorts in the Genome Aggregation Database (gnomAD). This amino acid position is not well conserved in available vertebrate species, and asparagine is the reference amino acid in other vertebrate species. In addition, the in silico prediction for this alteration is inconclusive. Since supporting evidence is limited at this time, the clinical significance of this alteration remains unclear.

Natera, Inc.
Classification: Uncertain significance for Fabry disease. Last evaluated: 2025-03-31. Review status: no assertion criteria provided. Collection method: clinical testing. Allele origin: germline. Not counted in ClinVar's aggregate classification.